The following is an entry in ClinVar:

NM_006950.3(SYN1):c.1159-3C>T

Gene: SYN1 (synapsin I; minus strand). Cytogenetic location: Xp11.3.
Variant type: single nucleotide variant.
Coding change: c.1159-3C>T on transcript NM_006950.3 (MANE Select); 3 bases into the intron before coding-DNA position 1159, C replaced by T.
Molecular consequence: intron variant.
Genome position (GRCh38, 1-based): chrX:47,575,277, G>A on the plus strand (C>T on the coding strand, the complement: SYN1 is on the minus strand). VCF-style: chrX-47575277-G-A. GRCh37 (hg19) VCF-style: chrX-47434676-G-A.
Other names: c.1159-3C>T (NM_133499.2).
Identifiers: ClinVar variation 4873920 (VCV004873920.2).

ClinVar aggregate classification (germline): Likely benign (1 of 4 stars; one submission).

gnomAD v4.1: 3 of 1,208,767 alleles (0.00025%); highest among the groups gnomAD compares: African/African-American, 0.0035%; no homozygotes.

Submission:

CeGaT Center for Human Genetics Tuebingen
Classification: Likely benign. Last evaluated: 2026-04-01. Review status: criteria provided, single submitter. Criteria: CeGaT Center For Human Genetics Tuebingen Variant Classification Criteria Version 2. Collection method: clinical testing. Allele origin: germline. Affected: yes. Observed: 1 variant allele.
Comment: SYN1: BP4